The following is an entry in ClinVar:

NM_001080476.3(GRXCR1):c.49C>T (p.Arg17Trp)

Gene: GRXCR1 (glutaredoxin and cysteine rich domain containing 1; plus strand). Cytogenetic location: 4p13.
Variant type: single nucleotide variant.
Coding change: c.49C>T on transcript NM_001080476.3 (MANE Select); coding-DNA position 49, C replaced by T.
Protein change: p.Arg17Trp; replaces arginine 17 with tryptophan.
Molecular consequence: missense variant.
Genome position (GRCh38, 1-based): chr4:42,893,315, C>T. VCF-style: chr4-42893315-C-T. GRCh37 (hg19) VCF-style: chr4-42895332-C-T.
Other names: short protein forms R17W.
Identifiers: ClinVar variation 348814 (VCV000348814.14), dbSNP rs762049276, ClinGen allele CA2904301.
Genomic context (GRCh38, chr4:42,893,315, plus strand): 5'-GTGGAGGTGACCATGCTTAAAAGGGAGATGAAGCCAGAAAGTGACAGGCCACGGAAAGTC[C>T]GGTTTCGGATCGCGTCCTCTCACAGTGGGCGAGTTCTGAAGGAAGTGTATGAAGATGGGC-3'
Protein context (NP_001073945.1, residues 7-27): KPESDRPRKV[Arg17Trp]FRIASSHSGR

ClinVar aggregate classification (germline): Uncertain significance. Review status: criteria provided, multiple submitters, no conflicts (2 of 4 stars). 6 submissions from 6 submitters: Uncertain significance (6). Last evaluated 2026-01-30.

Conditions:
GRXCR1-related disorder. Also called: GRXCR1-related condition.
Inborn genetic diseases. Identifiers: MedGen C0950123, MeSH D030342.
Autosomal recessive nonsyndromic hearing loss 25. Identifiers: Orphanet 90636, MedGen C1414017, MONDO:0013210, OMIM 613285.

Allele frequency attached by ClinVar (database versions not stated): ExAC 0.00006; gnomAD exomes 0.00008; gnomAD 0.00004; TOPMed 0.00005.
gnomAD v4.1: 82 of 1,613,554 alleles (0.0051%); highest among the groups gnomAD compares: East Asian, 0.0067%; no homozygotes.

Submissions (6):

PreventionGenetics, part of Exact Sciences
Classification: Uncertain significance for GRXCR1-related condition. Last evaluated: 2026-01-30. Review status: criteria provided, single submitter. Criteria: ACMG Guidelines, 2015. Collection method: clinical testing. Allele origin: germline.
Comment: The GRXCR1 c.49C>T variant is predicted to result in the amino acid substitution p.Arg17Trp. To our knowledge, this variant has not been reported in the literature. This variant is reported in 0.016% of alleles in individuals of European (Non-Finnish) descent in gnomAD. At this time, the clinical significance of this variant is uncertain due to the absence of conclusive functional and genetic evidence.

Blueprint Genetics
Classification: Uncertain significance. Last evaluated: 2024-11-10. Review status: criteria provided, single submitter. Criteria: ACMG Guidelines, 2015. Collection method: clinical testing. Allele origin: germline.

GeneDx
Classification: Uncertain significance. Last evaluated: 2023-08-31. Review status: criteria provided, single submitter. Criteria: GeneDx Variant Classification Process June 2021. Collection method: clinical testing. Allele origin: germline.
Comment: In silico analysis supports that this missense variant does not alter protein structure/function; Has not been previously published as pathogenic or benign to our knowledge

Ambry Genetics
Classification: Uncertain significance for Inborn genetic diseases. Last evaluated: 2021-09-17. Review status: criteria provided, single submitter. Criteria: Ambry Variant Classification Scheme 2023. Collection method: clinical testing. Allele origin: germline.

Labcorp Genetics (formerly Invitae), Labcorp
Classification: Uncertain significance. Last evaluated: 2021-09-01. Review status: criteria provided, single submitter. Criteria: Invitae Variant Classification Sherloc (09022015). Collection method: clinical testing. Allele origin: germline.
Comment: This sequence change replaces arginine with tryptophan at codon 17 of the GRXCR1 protein (p.Arg17Trp). The arginine residue is highly conserved and there is a moderate physicochemical difference between arginine and tryptophan. This variant is present in population databases (rs762049276, ExAC 0.01%). This variant has not been reported in the literature in individuals affected with GRXCR1-related conditions. ClinVar contains an entry for this variant (Variation ID: 348814). Algorithms developed to predict the effect of missense changes on protein structure and function are either unavailable or do not agree on the potential impact of this missense change (SIFT: "Deleterious"; PolyPhen-2: "Probably Damaging"; Align-GVGD: "Class C0"). In summary, the available evidence is currently insufficient to determine the role of this variant in disease. Therefore, it has been classified as a Variant of Uncertain Significance.

Illumina Laboratory Services, Illumina
Classification: Uncertain significance for Autosomal recessive nonsyndromic hearing loss 25. Last evaluated: 2018-01-12. Review status: criteria provided, single submitter. Criteria: ICSL Variant Classification Criteria 13 December 2019. Collection method: clinical testing. Allele origin: germline.